The following is an entry in ClinVar:

ClinVar aggregate classification (germline): Benign/Likely benign. Review status: criteria provided, multiple submitters, no conflicts (2 of 4 stars). 7 submissions from 7 submitters: Benign (1); Likely benign (5). 1 of the submissions does not count toward it. Last evaluated 2026-01-16.

Conditions:
CBS-related disorder. Also called: CBS-related condition.
Familial thoracic aortic aneurysm and aortic dissection (TAAD). Also called: Thoracic aortic aneurysms and dissections. Identifiers: Orphanet 91387, MedGen C4707243, MONDO:0019625.
HYPERHOMOCYSTEINEMIA, THROMBOTIC, CBS-RELATED. Identifiers: MedGen C3150344, OMIM 236200.

Allele frequency attached by ClinVar (database versions not stated): gnomAD 0.00001; gnomAD exomes 0.00003 and 0.00009; ExAC 0.00014; ESP Exome Variant Server 0.00015.

Submissions (7):

Women's Health and Genetics/Laboratory Corporation of America, LabCorp
Classification: Likely benign. Last evaluated: 2026-01-16. Review status: criteria provided, single submitter. Criteria: LabCorp Variant Classification Summary - May 2015. Collection method: clinical testing. Allele origin: germline.

Labcorp Genetics (formerly Invitae), Labcorp
Classification: Likely benign for HYPERHOMOCYSTEINEMIA, THROMBOTIC, CBS-RELATED. Last evaluated: 2025-12-14. Review status: criteria provided, single submitter. Criteria: Invitae Variant Classification Sherloc (09022015). Collection method: clinical testing. Allele origin: germline.

CeGaT Center for Human Genetics Tuebingen
Classification: Likely benign. Last evaluated: 2025-02-01. Review status: criteria provided, single submitter. Criteria: CeGaT Center For Human Genetics Tuebingen Variant Classification Criteria Version 2. Collection method: clinical testing. Allele origin: germline. Affected: yes. Observed: 1 variant allele.
Comment: CBS: BP4, BP7

Blueprint Genetics
Classification: Likely benign. Last evaluated: 2024-09-13. Review status: criteria provided, single submitter. Criteria: ACMG Guidelines, 2015. Collection method: clinical testing. Allele origin: germline.

Ambry Genetics
Classification: Likely benign for Familial thoracic aortic aneurysm and aortic dissection. Last evaluated: 2017-07-21. Review status: criteria provided, single submitter. Criteria: Ambry Variant Classification Scheme 2023. Collection method: clinical testing. Allele origin: germline.

GeneDx
Classification: Benign. Last evaluated: 2015-03-31. Review status: criteria provided, single submitter. Criteria: GeneDx Variant Classification (06012015). Collection method: clinical testing. Allele origin: germline. Affected: yes.
Comment: This variant is considered likely benign or benign based on one or more of the following criteria: it is a conservative change, it occurs at a poorly conserved position in the protein, it is predicted to be benign by multiple in silico algorithms, and/or has population frequency not consistent with disease.

PreventionGenetics, part of Exact Sciences
Classification: Likely benign for CBS-related condition. Last evaluated: 2023-09-26. Review status: no assertion criteria provided. Collection method: clinical testing. Allele origin: germline. Not counted in ClinVar's aggregate classification.
Comment: This variant is classified as likely benign based on ACMG/AMP sequence variant interpretation guidelines (Richards et al. 2015 PMID: 25741868, with internal and published modifications).

NM_000071.3(CBS):c.675C>T (p.Asn225=)

Gene: CBS (cystathionine beta-synthase; minus strand). Cytogenetic location: 21q22.3.
Variant type: single nucleotide variant.
Coding change: c.675C>T on transcript NM_000071.3 (MANE Select); coding-DNA position 675, C replaced by T.
Protein change: p.Asn225=; no amino-acid change (asparagine 225 retained).
Molecular consequence: synonymous variant.
Genome position (GRCh38, 1-based): chr21:43,065,264, G>A on the plus strand (C>T on the coding strand, the complement: CBS is on the minus strand). VCF-style: chr21-43065264-G-A. GRCh37 (hg19) VCF-style: chr21-44485374-G-A.
Other names: p.N225N:AAC>AAT; c.675C>T, p.Asn225= (NM_001178008.3, NM_001178009.3, NM_001320298.2); c.360C>T, p.Asn120= (NM_001321072.1).
Identifiers: ClinVar variation 212821 (VCV000212821.32), dbSNP rs145303290, ClinGen allele CA321743.